The following is an entry in ClinVar:

NM_000466.3(PEX1):c.2527G>A (p.Gly843Ser)

Gene: PEX1 (peroxisomal biogenesis factor 1; minus strand). Cytogenetic location: 7q21.2.
Variant type: single nucleotide variant.
Coding change: c.2527G>A on transcript NM_000466.3 (MANE Select); coding-DNA position 2527, G replaced by A.
Protein change: p.Gly843Ser; replaces glycine 843 with serine.
Molecular consequence: missense variant.
Genome position (GRCh38, 1-based): chr7:92,501,563, C>T on the plus strand (G>A on the coding strand, the complement: PEX1 is on the minus strand). VCF-style: chr7-92501563-C-T. GRCh37 (hg19) VCF-style: chr7-92130877-C-T.
Other names: c.2356G>A, p.Gly786Ser (NM_001282677.2); c.1903G>A, p.Gly635Ser (NM_001282678.2); short protein forms G786S, G635S, G843S.
Identifiers: ClinVar variation 3720560 (VCV003720560.2).

ClinVar aggregate classification (germline): Likely pathogenic (1 of 4 stars; one submission).

Conditions:
Zellweger spectrum disorders (ZS). Also called: Zellweger Spectrum Disorder; Zellweger Spectrum; Zellweger Spectrum Disorder (ZSD); Zellweger syndrome. Identifiers: Orphanet 912, MedGen C0043459, MONDO:0019609.

gnomAD v4.1: 1 of 1,613,896 alleles (0.000062%); highest among the groups gnomAD compares: South Asian, 0.0011%; no homozygotes.

Submission:

Labcorp Genetics (formerly Invitae), Labcorp
Classification: Likely pathogenic for Zellweger spectrum disorders. Last evaluated: 2024-11-06. Review status: criteria provided, single submitter. Criteria: Invitae Variant Classification Sherloc (09022015). Collection method: clinical testing. Allele origin: germline.
Comment: This sequence change replaces glycine, which is neutral and non-polar, with serine, which is neutral and polar, at codon 843 of the PEX1 protein (p.Gly843Ser). This variant is not present in population databases (gnomAD no frequency). This variant has not been reported in the literature in individuals affected with PEX1-related conditions. Invitae Evidence Modeling of protein sequence and biophysical properties (such as structural, functional, and spatial information, amino acid conservation, physicochemical variation, residue mobility, and thermodynamic stability) indicates that this missense variant is expected to disrupt PEX1 protein function with a positive predictive value of 95%. This variant disrupts the p.Gly843 amino acid residue in PEX1. Other variant(s) that disrupt this residue have been determined to be pathogenic (PMID: 9398847, 10447258, 26287655, 26643206, 27090541, 27872819, 27882258). This suggests that this residue is clinically significant, and that variants that disrupt this residue are likely to be disease-causing. In summary, the currently available evidence indicates that the variant is pathogenic, but additional data are needed to prove that conclusively. Therefore, this variant has been classified as Likely Pathogenic.

Literature cited by the submitters: PubMed 9398847; PubMed 10447258; PubMed 26287655; PubMed 26643206; PubMed 27090541; PubMed 27872819; PubMed 27882258.